The following is an entry in ClinVar:

NM_173630.4(RTTN):c.1444C>T (p.Arg482Ter)

Gene: RTTN (rotatin; minus strand). Cytogenetic location: 18q22.2.
Variant type: single nucleotide variant.
Coding change: c.1444C>T on transcript NM_173630.4 (MANE Select); coding-DNA position 1444, C replaced by T.
Protein change: p.Arg482Ter; replaces arginine 482 with a stop codon.
Molecular consequence: nonsense. On other transcripts: 5 prime UTR variant (1).
Genome position (GRCh38, 1-based): chr18:70,176,707, G>A on the plus strand (C>T on the coding strand, the complement: RTTN is on the minus strand). VCF-style: chr18-70176707-G-A. GRCh37 (hg19) VCF-style: chr18-67843943-G-A.
Other names: c.-1110C>T (NM_001318520.2); short protein forms R482*.
Identifiers: ClinVar variation 1697060 (VCV001697060.3), dbSNP rs752150024, ClinGen allele CA8996173.

ClinVar aggregate classification (germline): Pathogenic/Likely pathogenic. Review status: criteria provided, multiple submitters, no conflicts (2 of 4 stars). 2 submissions from 2 submitters: Pathogenic (1); Likely pathogenic (1). Last evaluated 2025-09-22.

Allele frequency attached by ClinVar (database versions not stated): TOPMed below 0.00001; ExAC 0.00001; gnomAD exomes 0.00001.

Submissions (2):

Labcorp Genetics (formerly Invitae), Labcorp
Classification: Pathogenic. Last evaluated: 2025-09-22. Review status: criteria provided, single submitter. Criteria: Invitae Variant Classification Sherloc (09022015). Collection method: clinical testing. Allele origin: germline.
Comment: This sequence change creates a premature translational stop signal (p.Arg482*) in the RTTN gene. It is expected to result in an absent or disrupted protein product. Loss-of-function variants in RTTN are known to be pathogenic (PMID: 26608784, 26846091). This variant is present in population databases (rs752150024, gnomAD 0.0009%). This variant has not been reported in the literature in individuals affected with RTTN-related conditions. ClinVar contains an entry for this variant (Variation ID: 1697060). For these reasons, this variant has been classified as Pathogenic.

GeneDx
Classification: Likely pathogenic. Last evaluated: 2022-11-17. Review status: criteria provided, single submitter. Criteria: GeneDx Variant Classification Process June 2021. Collection method: clinical testing. Allele origin: germline. Affected: yes.
Comment: Nonsense variant predicted to result in protein truncation or nonsense mediated decay in a gene for which loss-of-function is a known mechanism of disease; Not observed at significant frequency in large population cohorts (gnomAD); Has not been previously published as pathogenic or benign to our knowledge

Literature cited by the submitters: PubMed 26608784 (cited by Labcorp Genetics (formerly Invitae), Labcorp); PubMed 26846091 (cited by Labcorp Genetics (formerly Invitae), Labcorp).